The following is an entry in ClinVar:

ClinVar aggregate classification (germline): Conflicting classifications of pathogenicity. Review status: criteria provided, conflicting classifications (1 of 4 stars). 6 submissions from 5 submitters: Uncertain significance (1); Benign (1); Likely benign (4). Last evaluated 2026-01-25.

Conditions:
Cutis laxa. Identifiers: Orphanet 209, MedGen C0010495, MONDO:0016175, HP:0000973.
Macular degeneration, age-related, 3 (ARMD3). Identifiers: Orphanet 280598, MedGen C1837187, MONDO:0012145, OMIM 608895.

Allele frequency attached by ClinVar (database versions not stated): gnomAD 0.00013 and 0.00014; TOPMed 0.00013; ESP Exome Variant Server 0.00015; ExAC 0.00017.
gnomAD v4.1: 259 of 1,613,638 alleles (0.016%); highest among the groups gnomAD compares: Non-Finnish European, 0.019%; no homozygotes.

Submissions (6):

Labcorp Genetics (formerly Invitae), Labcorp
Classification: Likely benign. Last evaluated: 2026-01-25. Review status: criteria provided, single submitter. Criteria: Invitae Variant Classification Sherloc (09022015). Collection method: clinical testing. Allele origin: germline.

Women's Health and Genetics/Laboratory Corporation of America, LabCorp
Classification: Likely benign. Last evaluated: 2024-04-15. Review status: criteria provided, single submitter. Criteria: LabCorp Variant Classification Summary - May 2015. Collection method: clinical testing. Allele origin: germline.

GeneDx
Classification: Likely benign. Last evaluated: 2021-05-20. Review status: criteria provided, single submitter. Criteria: GeneDx Variant Classification Process June 2021. Collection method: clinical testing. Allele origin: germline. Affected: yes.

CeGaT Center for Human Genetics Tuebingen
Classification: Likely benign. Last evaluated: 2018-03-01. Review status: criteria provided, single submitter. Criteria: CeGaT Center For Human Genetics Tuebingen Variant Classification Criteria Version 2. Collection method: clinical testing. Allele origin: germline. Affected: yes. Observed: 1 variant allele.

Illumina Laboratory Services, Illumina
Classification: Uncertain significance for Macular degeneration, age-related, 3. Last evaluated: 2018-01-13. Review status: criteria provided, single submitter. Criteria: ICSL Variant Classification Criteria 13 December 2019. Collection method: clinical testing. Allele origin: germline.

Illumina Laboratory Services, Illumina
Classification: Benign for Cutis laxa. Last evaluated: 2018-01-13. Review status: criteria provided, single submitter. Criteria: ICSL Variant Classification Criteria 13 December 2019. Collection method: clinical testing. Allele origin: germline.
Comment: This variant was observed in the ICSL laboratory as part of a predisposition screen in an ostensibly healthy population. It had not been previously curated by ICSL or reported in the Human Gene Mutation Database (HGMD: prior to June 1st, 2018), and was therefore a candidate for classification through an automated scoring system. Utilizing variant allele frequency, disease prevalence and penetrance estimates, and inheritance mode, an automated score was calculated to assess if this variant is too frequent to cause the disease. Based on the score and internal cut-off values, a variant classified as benign is not then subjected to further curation. The score for this variant resulted in a classification of benign for this disease.

NM_006329.4(FBLN5):c.1191G>A (p.Thr397=)

Gene: FBLN5 (fibulin 5; minus strand). Cytogenetic location: 14q32.12.
Variant type: single nucleotide variant.
Coding change: c.1191G>A on transcript NM_006329.4 (MANE Select); coding-DNA position 1191, G replaced by A.
Protein change: p.Thr397=; no amino-acid change (threonine 397 retained).
Molecular consequence: synonymous variant. On other transcripts: missense variant (2).
Genome position (GRCh38, 1-based): chr14:91,870,380, C>T on the plus strand (G>A on the coding strand, the complement: FBLN5 is on the minus strand). VCF-style: chr14-91870380-C-T. GRCh37 (hg19) VCF-style: chr14-92336724-C-T.
Other names: c.1314G>A, p.Thr438= (NM_001384158.1); c.1242G>A, p.Thr414= (NM_001384159.1); c.1370G>A, p.Arg457Gln (NM_001384160.1); c.1202G>A, p.Arg401Gln (NM_001384161.1); c.1023G>A, p.Thr341= (NM_001384162.1); short protein forms R401Q, R457Q.
Identifiers: ClinVar variation 314871 (VCV000314871.55), dbSNP rs148660796, ClinGen allele CA7312583.